The following is an entry in ClinVar:

NM_014391.3(ANKRD1):c.-34C>T

Gene: ANKRD1 (ankyrin repeat domain 1; minus strand). Cytogenetic location: 10q23.31.
Variant type: single nucleotide variant.
Coding change: c.-34C>T on transcript NM_014391.3 (MANE Select); 34 bases upstream of the start codon, C replaced by T.
Molecular consequence: 5 prime UTR variant.
Genome position (GRCh38, 1-based): chr10:90,921,061, G>A on the plus strand (C>T on the coding strand, the complement: ANKRD1 is on the minus strand). VCF-style: chr10-90921061-G-A. GRCh37 (hg19) VCF-style: chr10-92680818-G-A.
Identifiers: ClinVar variation 201662 (VCV000201662.6), dbSNP rs114144205, ClinGen allele CA335066.
Genomic context (GRCh38, chr10:90,921,061, plus strand): 5'-CAGTTCCTCTACTTTCAGTACCATCATGTTGGCTGAAGGAGTCTTGTATGTTTTTCTGTC[G>A]TGGAAGGAATCCCTGGAGTTGGCCCTGCTGGGCCCCTCCACACCGGTCAGCTTATATAGC-3'

ClinVar aggregate classification (germline): Benign/Likely benign. Review status: criteria provided, multiple submitters, no conflicts (2 of 4 stars). 3 submissions from 3 submitters: Benign (1); Likely benign (2). Last evaluated 2018-01-13.

Conditions:
Primary dilated cardiomyopathy (DCM). Also called: Dilated Cardiomyopathy. Identifiers: Orphanet 217604, MedGen C0007193, MeSH D002311, MONDO:0005021, HP:0001644. Inheritance: Various modes of inheritance.

Allele frequency attached by ClinVar (database versions not stated): gnomAD exomes 0.00055 and 0.00140; ESP Exome Variant Server 0.00723; gnomAD 0.00491 and 0.00522; 1000 Genomes Project 0.00559; 1000 Genomes Project 30x 0.00671; ExAC 0.00187; TOPMed 0.00595.
gnomAD v4.1: 1,576 of 1,612,728 alleles (0.098%); highest among the groups gnomAD compares: African/African-American, 1.6%; 8 homozygotes.

Submissions (3):

Illumina Laboratory Services, Illumina
Classification: Likely benign for Primary dilated cardiomyopathy. Last evaluated: 2018-01-13. Review status: criteria provided, single submitter. Criteria: ICSL Variant Classification Criteria 13 December 2019. Collection method: clinical testing. Allele origin: germline.
Comment: This variant was observed in the ICSL laboratory as part of a predisposition screen in an ostensibly healthy population. It had not been previously curated by ICSL or reported in the Human Gene Mutation Database (HGMD: prior to June 1st, 2018), and was therefore a candidate for classification through an automated scoring system. Utilizing variant allele frequency, disease prevalence and penetrance estimates, and inheritance mode, an automated score was calculated to assess if this variant is too frequent to cause the disease. Based on the score and internal cut-off values, a variant classified as likely benign is not then subjected to further curation. The score for this variant resulted in a classification of likely benign for this disease.

GeneDx
Classification: Benign. Last evaluated: 2014-07-09. Review status: criteria provided, single submitter. Criteria: GeneDx Variant Classification (06012015). Collection method: clinical testing. Allele origin: germline. Affected: yes.
Comment: This variant is considered likely benign or benign based on one or more of the following criteria: it is a conservative change, it occurs at a poorly conserved position in the protein, it is predicted to be benign by multiple in silico algorithms, and/or has population frequency not consistent with disease.

Breakthrough Genomics
Classification: Likely benign. Review status: criteria provided, single submitter. Criteria: ACMG Guidelines, 2015. Collection method: not provided. Allele origin: germline. Inheritance: Unknown mechanism. Affected: yes.